The following is an entry in ClinVar:

NM_001365999.1(SZT2):c.10090G>A (p.Val3364Met)

Gene: SZT2 (SZT2 subunit of KICSTOR complex; plus strand). Cytogenetic location: 1p34.2.
Variant type: single nucleotide variant.
Coding change: c.10090G>A on transcript NM_001365999.1 (MANE Select); coding-DNA position 10090, G replaced by A.
Protein change: p.Val3364Met; replaces valine 3364 with methionine.
Molecular consequence: missense variant.
Genome position (GRCh38, 1-based): chr1:43,450,106, G>A. VCF-style: chr1-43450106-G-A. GRCh37 (hg19) VCF-style: chr1-43915777-G-A.
Other names: c.9919G>A, p.Val3307Met (NM_015284.4); short protein forms V3307M, V3364M.
Identifiers: ClinVar variation 854382 (VCV000854382.9), dbSNP rs1656210037, ClinGen allele CA340047127.

ClinVar aggregate classification (germline): Uncertain significance (1 of 4 stars; one submission).

Submission:

Labcorp Genetics (formerly Invitae), Labcorp
Classification: Uncertain significance. Last evaluated: 2025-02-24. Review status: criteria provided, single submitter. Criteria: Invitae Variant Classification Sherloc (09022015). Collection method: clinical testing. Allele origin: germline.
Comment: This sequence change replaces valine, which is neutral and non-polar, with methionine, which is neutral and non-polar, at codon 3307 of the SZT2 protein (p.Val3307Met). This variant is not present in population databases (gnomAD no frequency). This variant has not been reported in the literature in individuals affected with SZT2-related conditions. ClinVar contains an entry for this variant (Variation ID: 854382). Invitae Evidence Modeling of protein sequence and biophysical properties (such as structural, functional, and spatial information, amino acid conservation, physicochemical variation, residue mobility, and thermodynamic stability) indicates that this missense variant is expected to disrupt SZT2 protein function with a positive predictive value of 80%. In summary, the available evidence is currently insufficient to determine the role of this variant in disease. Therefore, it has been classified as a Variant of Uncertain Significance.